The following is an entry in ClinVar:

ClinVar aggregate classification (germline): Uncertain significance (1 of 4 stars; one submission).

Submission:

Labcorp Genetics (formerly Invitae), Labcorp
Classification: Uncertain significance. Last evaluated: 2024-09-23. Review status: criteria provided, single submitter. Criteria: Invitae Variant Classification Sherloc (09022015). Collection method: clinical testing. Allele origin: germline.
Comment: This variant, c.401_402insCGCCGCTGCCGCCGCCGC, results in the insertion of 6 amino acid(s) of the MNX1 protein (p.Ala129_Ala134dup), but otherwise preserves the integrity of the reading frame. The frequency data for this variant in the population databases is considered unreliable, as metrics indicate insufficient coverage at this position in the gnomAD database. This variant has not been reported in the literature in individuals affected with MNX1-related conditions. In summary, the available evidence is currently insufficient to determine the role of this variant in disease. Therefore, it has been classified as a Variant of Uncertain Significance.

NM_005515.4(MNX1):c.401_402insCGCCGCTGCCGCCGCCGC (p.Ala134_Gly135insAlaAlaAlaAlaAlaAla)

Genes: MNX1 (motor neuron and pancreas homeobox 1; minus strand), LOC129999736 (ATAC-STARR-seq lymphoblastoid silent region 18858; plus strand). Cytogenetic location: 7q36.3.
Variant type: Microsatellite.
Coding change: c.401_402insCGCCGCTGCCGCCGCCGC on transcript NM_005515.4 (MANE Select); coding-DNA positions 401 to 402, CGCCGCTGCCGCCGCCGC inserted.
Protein change: p.Ala134_Gly135insAlaAlaAlaAlaAlaAla.
Molecular consequence: inframe insertion.
Genome position: GRCh38 VCF-style: chr7-157009949-A-AGCGGCGGCGGCAGCGGCG. GRCh37 (hg19) VCF-style: chr7-156802643-A-AGCGGCGGCGGCAGCGGCG.
Identifiers: ClinVar variation 1960436 (VCV001960436.5), dbSNP rs1805678854.